The following is an entry in ClinVar:

NM_005720.4(ARPC1B):c.177C>A (p.Asp59Glu)

Gene: ARPC1B (actin related protein 2/3 complex subunit 1B; plus strand). Cytogenetic location: 7q22.1.
Variant type: single nucleotide variant.
Coding change: c.177C>A on transcript NM_005720.4 (MANE Select); coding-DNA position 177, C replaced by A.
Protein change: p.Asp59Glu; replaces aspartic acid 59 with glutamic acid.
Molecular consequence: missense variant.
Genome position (GRCh38, 1-based): chr7:99,388,046, C>A. VCF-style: chr7-99388046-C-A. GRCh37 (hg19) VCF-style: chr7-98985669-C-A.
Other names: short protein forms D59E.
Identifiers: ClinVar variation 1985816 (VCV001985816.2), dbSNP rs201313688, ClinGen allele CA4363944.

ClinVar aggregate classification (germline): Uncertain significance (1 of 4 stars; one submission).

Allele frequency attached by ClinVar (database versions not stated): gnomAD 0.00001; TOPMed 0.00001; ExAC 0.00003; gnomAD exomes 0.00004.
gnomAD v4.1: 61 of 1,602,540 alleles (0.0038%); highest among the groups gnomAD compares: Non-Finnish European, 0.0047%; no homozygotes.

Submission:

Labcorp Genetics (formerly Invitae), Labcorp
Classification: Uncertain significance. Last evaluated: 2022-07-05. Review status: criteria provided, single submitter. Criteria: Invitae Variant Classification Sherloc (09022015). Collection method: clinical testing. Allele origin: germline.
Comment: In summary, the available evidence is currently insufficient to determine the role of this variant in disease. Therefore, it has been classified as a Variant of Uncertain Significance. Algorithms developed to predict the effect of missense changes on protein structure and function are either unavailable or do not agree on the potential impact of this missense change (SIFT: "Deleterious"; PolyPhen-2: "Benign"; Align-GVGD: "Class C35"). This variant has not been reported in the literature in individuals affected with ARPC1B-related conditions. This variant is present in population databases (rs201313688, gnomAD 0.006%). This sequence change replaces aspartic acid, which is acidic and polar, with glutamic acid, which is acidic and polar, at codon 59 of the ARPC1B protein (p.Asp59Glu).